The following is an entry in ClinVar:

ClinVar aggregate classification (germline): Uncertain significance (1 of 4 stars; one submission).

Conditions:
Nemaline myopathy 2 (NEM2). Also called: Nemaline myopathy 2, autosomal recessive. Identifiers: MedGen C1850569, MONDO:0009725, OMIM 256030.

Allele frequency attached by ClinVar (database versions not stated): gnomAD exomes below 0.00001.
gnomAD v4.1: 1 of 1,614,022 alleles (0.000062%); highest among the groups gnomAD compares: South Asian, 0.0011%; no homozygotes.

Submission:

Labcorp Genetics (formerly Invitae), Labcorp
Classification: Uncertain significance for Nemaline myopathy 2. Last evaluated: 2022-07-05. Review status: criteria provided, single submitter. Criteria: Invitae Variant Classification Sherloc (09022015). Collection method: clinical testing. Allele origin: germline.
Comment: In summary, the available evidence is currently insufficient to determine the role of this variant in disease. Therefore, it has been classified as a Variant of Uncertain Significance. Algorithms developed to predict the effect of missense changes on protein structure and function are either unavailable or do not agree on the potential impact of this missense change (SIFT: "Deleterious"; PolyPhen-2: "Not Available"; Align-GVGD: "Class C0"). ClinVar contains an entry for this variant (Variation ID: 1403597). This variant has not been reported in the literature in individuals affected with NEB-related conditions. This variant is present in population databases (no rsID available, gnomAD 0.003%). This sequence change replaces serine, which is neutral and polar, with asparagine, which is neutral and polar, at codon 1483 of the NEB protein (p.Ser1483Asn).

NM_001164508.2(NEB):c.4448G>A (p.Ser1483Asn)

Gene: NEB (nebulin; minus strand). Cytogenetic location: 2q23.3.
Variant type: single nucleotide variant.
Coding change: c.4448G>A on transcript NM_001164508.2 (MANE Select); coding-DNA position 4448, G replaced by A.
Protein change: p.Ser1483Asn; replaces serine 1483 with asparagine.
Molecular consequence: missense variant.
Genome position (GRCh38, 1-based): chr2:151,671,081, C>T on the plus strand (G>A on the coding strand, the complement: NEB is on the minus strand). VCF-style: chr2-151671081-C-T. GRCh37 (hg19) VCF-style: chr2-152527595-C-T.
Other names: c.4448G>A, p.Ser1483Asn (NM_001164507.2, NM_001271208.2, NM_004543.5); short protein forms S1483N.
Identifiers: ClinVar variation 1403597 (VCV001403597.8), dbSNP rs1417148362, ClinGen allele CA348815541.